The following is an entry in ClinVar:

ClinVar aggregate classification (germline): Likely benign (0 of 4 stars; one submission).

Conditions:
HNRNPUL2-related disorder. Also called: HNRNPUL2-related condition.

Allele frequency attached by ClinVar (database versions not stated): gnomAD exomes 0.00008; ExAC 0.00026; 1000 Genomes Project 30x 0.00031; 1000 Genomes Project 0.00040; ESP Exome Variant Server 0.00075.
gnomAD v4.1: 254 of 1,614,064 alleles (0.016%); highest among the groups gnomAD compares: African/African-American, 0.29%; no homozygotes.

Submission:

PreventionGenetics, part of Exact Sciences
Classification: Likely benign for HNRNPUL2-related condition. Last evaluated: 2022-11-11. Review status: no assertion criteria provided. Collection method: clinical testing. Allele origin: germline.
Comment: This variant is classified as likely benign based on ACMG/AMP sequence variant interpretation guidelines (Richards et al. 2015 PMID: 25741868, with internal and published modifications).

NM_001079559.3(HNRNPUL2):c.539-10G>A

Genes: HNRNPUL2 (heterogeneous nuclear ribonucleoprotein U like 2; minus strand), HNRNPUL2-BSCL2 (HNRNPUL2-BSCL2 readthrough (NMD candidate); minus strand). Cytogenetic location: 11q12.3.
Variant type: single nucleotide variant.
Coding change: c.539-10G>A on transcript NM_001079559.3 (MANE Select); 10 bases into the intron before coding-DNA position 539, G replaced by A.
Molecular consequence: intron variant.
Genome position (GRCh38, 1-based): chr11:62,724,436, C>T on the plus strand (G>A on the coding strand, the complement: HNRNPUL2 is on the minus strand). VCF-style: chr11-62724436-C-T. GRCh37 (hg19) VCF-style: chr11-62491908-C-T.
Identifiers: ClinVar variation 3054381 (VCV003054381.2), dbSNP rs200203108, ClinGen allele CA6054315.
Genomic context (GRCh38, chr11:62,724,436, plus strand): 5'-GCTCACCATCTGAGCCTGCTGGTTTTGACTTTTCACTATCCTGGTCATCTCCTACAAAAA[C>T]GAGGGAAAGAAAATCAGCAGTTTTCATACTGGAGTGTAGAATAAGCTCACAACTAATAGA-3'